The following is an entry in ClinVar:

NM_198578.4(LRRK2):c.1605A>C (p.Lys535Asn)

Gene: LRRK2 (leucine rich repeat kinase 2; plus strand). Cytogenetic location: 12q12.
Variant type: single nucleotide variant.
Coding change: c.1605A>C on transcript NM_198578.4 (MANE Select); coding-DNA position 1605, A replaced by C.
Protein change: p.Lys535Asn; replaces lysine 535 with asparagine.
Molecular consequence: missense variant.
Genome position (GRCh38, 1-based): chr12:40,263,850, A>C. VCF-style: chr12-40263850-A-C. GRCh37 (hg19) VCF-style: chr12-40657652-A-C.
Other names: short protein forms K535N.
Identifiers: ClinVar variation 1776248 (VCV001776248.3), dbSNP rs1942886433, ClinGen allele CA384398991.
Genomic context (GRCh38, chr12:40,263,850, plus strand): 5'-CATGCCAGAAGAATCCAGGGAGGATACAGAATTTCATCATAAGCTAAATATGGTTAAAAA[A>C]CAGTGTTTCAAGAATGATATTCACAAACTGGTCCTAGCAGCTTTGAACAGGGTATGTTGA-3'
Protein context (NP_940980.4, residues 525-545): EFHHKLNMVK[Lys535Asn]QCFKNDIHKL

ClinVar aggregate classification (germline): Uncertain significance (1 of 4 stars; one submission).

Conditions:
Inborn genetic diseases. Identifiers: MedGen C0950123, MeSH D030342.

Allele frequency attached by ClinVar (database versions not stated): gnomAD exomes below 0.00001.
gnomAD v4.1: 3 of 1,613,186 alleles (0.00019%); highest among the groups gnomAD compares: Middle Eastern, 0.033%; no homozygotes.

Submission:

Ambry Genetics
Classification: Uncertain significance for Inborn genetic diseases. Last evaluated: 2024-05-25. Review status: criteria provided, single submitter. Criteria: Ambry Variant Classification Scheme 2023. Collection method: clinical testing. Allele origin: germline.
Comment: The p.K535N variant (also known as c.1605A>C), located in coding exon 14 of the LRRK2 gene, results from an A to C substitution at nucleotide position 1605. The lysine at codon 535 is replaced by asparagine, an amino acid with similar properties. This amino acid position is conserved. In addition, this alteration is predicted to be tolerated by in silico analysis. Since supporting evidence is limited at this time, the clinical significance of this alteration remains unclear.